The following is an entry in ClinVar:

NM_000540.3(RYR1):c.12497C>G (p.Ala4166Gly)

Gene: RYR1 (ryanodine receptor 1; plus strand). Cytogenetic location: 19q13.2.
Variant type: single nucleotide variant.
Coding change: c.12497C>G on transcript NM_000540.3 (MANE Select); coding-DNA position 12497, C replaced by G.
Protein change: p.Ala4166Gly; replaces alanine 4166 with glycine.
Molecular consequence: missense variant.
Genome position (GRCh38, 1-based): chr19:38,561,327, C>G. VCF-style: chr19-38561327-C-G. GRCh37 (hg19) VCF-style: chr19-39051967-C-G.
Other names: c.12482C>G, p.Ala4161Gly (NM_001042723.2); short protein forms A4161G, A4166G.
Identifiers: ClinVar variation 3385584 (VCV003385584.1).

ClinVar aggregate classification (germline): Uncertain significance (1 of 4 stars; one submission).

Conditions:
Malignant hyperthermia, susceptibility to, 1 (MHS1). Also called: Anesthesia related hyperthermia; Malignant hyperpyrexia; Fulminating hyperpyrexia; Pharmacogenic myopathy; Malignant hyperthermia suceptibility 1; RYR1-Related Malignant Hyperthermia Susceptibility. Identifiers: Orphanet 423, MedGen C2930980, MONDO:0007783, OMIM 145600.

gnomAD v4.1: 2 of 1,613,988 alleles (0.00012%); highest among the groups gnomAD compares: Non-Finnish European, 0.00017%; no homozygotes.

Submission:

All of Us Research Program, National Institutes of Health
Classification: Uncertain significance for Malignant hyperthermia, susceptibility to, 1. Last evaluated: 2024-05-30. Review status: criteria provided, single submitter. Criteria: ACMG Guidelines, 2015. Collection method: clinical testing. Allele origin: germline. Inheritance: Autosomal dominant inheritance. Observed: 1 variant allele, 1 heterozygote.
Comment: This missense variant replaces alanine with glycine at codon 4166 of the RYR1 protein. Computational prediction suggests that this variant may have deleterious impact on protein structure and function (internally defined REVEL score threshold >= 0.7, PMID: 27666373). To our knowledge, functional studies have not been reported for this variant. This variant has not been reported in individuals affected with RYR1-related disorders in the literature. This variant has not been identified in the general population by the Genome Aggregation Database (gnomAD). The available evidence is insufficient to determine the role of this variant in disease conclusively. Therefore, this variant is classified as a Variant of Uncertain Significance.

This study involves interpretation of variants in research participants for the purpose of population health screening. Participant phenotype was not available at the time of variant classification. Additional details can be found in publication PMID: 35346344, PMCID: PMC8962531